The following is an entry in ClinVar:

ClinVar aggregate classification (germline): Uncertain significance (1 of 4 stars; one submission).

Conditions:
Long QT syndrome (LQTS). Identifiers: MedGen C0023976, MeSH D008133, MONDO:0002442. Disease mechanism: loss of function. Inheritance: Various modes of inheritance.

Allele frequency attached by ClinVar (database versions not stated): gnomAD exomes below 0.00001; ExAC 0.00001.
gnomAD v4.1: 5 of 1,613,446 alleles (0.00031%); highest among the groups gnomAD compares: African/African-American, 0.0053%; no homozygotes.

Submission:

Labcorp Genetics (formerly Invitae), Labcorp
Classification: Uncertain significance for Long QT syndrome. Last evaluated: 2022-05-21. Review status: criteria provided, single submitter. Criteria: Invitae Variant Classification Sherloc (09022015). Collection method: clinical testing. Allele origin: germline.
Comment: In summary, the available evidence is currently insufficient to determine the role of this variant in disease. Therefore, it has been classified as a Variant of Uncertain Significance. Algorithms developed to predict the effect of sequence changes on RNA splicing suggest that this variant may disrupt the consensus splice site. Algorithms developed to predict the effect of missense changes on protein structure and function (SIFT, PolyPhen-2, Align-GVGD) all suggest that this variant is likely to be tolerated. This variant has not been reported in the literature in individuals affected with AKAP9-related conditions. This variant is not present in population databases (gnomAD no frequency). This sequence change replaces asparagine, which is neutral and polar, with serine, which is neutral and polar, at codon 3848 of the AKAP9 protein (p.Asn3848Ser).

NM_005751.5(AKAP9):c.11543A>G (p.Asn3848Ser)

Gene: AKAP9 (A-kinase anchoring protein 9; plus strand). Cytogenetic location: 7q21.2.
Variant type: single nucleotide variant.
Coding change: c.11543A>G on transcript NM_005751.5 (MANE Select); coding-DNA position 11543, A replaced by G.
Protein change: p.Asn3848Ser; replaces asparagine 3848 with serine.
Molecular consequence: missense variant.
Genome position (GRCh38, 1-based): chr7:92,107,419, A>G. VCF-style: chr7-92107419-A-G. GRCh37 (hg19) VCF-style: chr7-91736733-A-G.
Other names: c.6188A>G, p.Asn2063Ser (NM_001379277.1); c.11519A>G, p.Asn3840Ser (NM_147185.3); short protein forms N2063S, N3848S, N3840S.
Identifiers: ClinVar variation 1949286 (VCV001949286.5), dbSNP rs773891725, ClinGen allele CA4338219.